The following is an entry in ClinVar:

NM_000343.4(SLC5A1):c.1054G>A (p.Glu352Lys)

Gene: SLC5A1 (solute carrier family 5 member 1; plus strand). Cytogenetic location: 22q12.3.
Variant type: single nucleotide variant.
Coding change: c.1054G>A on transcript NM_000343.4 (MANE Select); coding-DNA position 1054, G replaced by A.
Protein change: p.Glu352Lys; replaces glutamic acid 352 with lysine.
Molecular consequence: missense variant.
Genome position (GRCh38, 1-based): chr22:32,086,252, G>A. VCF-style: chr22-32086252-G-A. GRCh37 (hg19) VCF-style: chr22-32482239-G-A.
Other names: c.673G>A, p.Glu225Lys (NM_001256314.2); short protein forms E225K, E352K.
Identifiers: ClinVar variation 1367225 (VCV001367225.6), dbSNP rs200308405, ClinGen allele CA10198139.

ClinVar aggregate classification (germline): Uncertain significance. Review status: criteria provided, multiple submitters, no conflicts (2 of 4 stars). 2 submissions from 2 submitters: Uncertain significance (2). Last evaluated 2021-09-27.

Conditions:
Congenital glucose-galactose malabsorption (GGM). Also called: MONOSACCHARIDE MALABSORPTION; DIARRHEA 16. Identifiers: Orphanet 35710, MedGen C0268186, MONDO:0011731, OMIM 606824.

Allele frequency attached by ClinVar (database versions not stated): gnomAD 0.00005; TOPMed 0.00005; gnomAD exomes 0.00006 and 0.00013; ExAC 0.00009.
gnomAD v4.1: 193 of 1,613,872 alleles (0.012%); highest among the groups gnomAD compares: Non-Finnish European, 0.016%; no homozygotes.

Submissions (2):

Fulgent Genetics
Classification: Uncertain significance for Congenital glucose-galactose malabsorption. Last evaluated: 2021-09-27. Review status: criteria provided, single submitter. Criteria: ACMG Guidelines, 2015. Collection method: clinical testing. Allele origin: unknown.

Labcorp Genetics (formerly Invitae), Labcorp
Classification: Uncertain significance for Congenital glucose-galactose malabsorption. Last evaluated: 2021-08-31. Review status: criteria provided, single submitter. Criteria: Invitae Variant Classification Sherloc (09022015). Collection method: clinical testing. Allele origin: germline.
Comment: This sequence change replaces glutamic acid with lysine at codon 352 of the SLC5A1 protein (p.Glu352Lys). The glutamic acid residue is moderately conserved and there is a small physicochemical difference between glutamic acid and lysine. This variant is present in population databases (rs200308405, ExAC 0.02%). This variant has not been reported in the literature in individuals affected with SLC5A1-related conditions. Algorithms developed to predict the effect of missense changes on protein structure and function output the following: SIFT: "Tolerated"; PolyPhen-2: "Benign"; Align-GVGD: "Class C0". The lysine amino acid residue is found in multiple mammalian species, which suggests that this missense change does not adversely affect protein function. In summary, the available evidence is currently insufficient to determine the role of this variant in disease. Therefore, it has been classified as a Variant of Uncertain Significance.